The following is an entry in ClinVar:

NM_133259.4(LRPPRC):c.1501C>G (p.Leu501Val)

Gene: LRPPRC (leucine rich pentatricopeptide repeat containing; minus strand). Cytogenetic location: 2p21.
Variant type: single nucleotide variant.
Coding change: c.1501C>G on transcript NM_133259.4 (MANE Select); coding-DNA position 1501, C replaced by G.
Protein change: p.Leu501Val; replaces leucine 501 with valine.
Molecular consequence: missense variant.
Genome position (GRCh38, 1-based): chr2:43,960,622, G>C on the plus strand (C>G on the coding strand, the complement: LRPPRC is on the minus strand). VCF-style: chr2-43960622-G-C. GRCh37 (hg19) VCF-style: chr2-44187761-G-C.
Other names: short protein forms L501V.
Identifiers: ClinVar variation 2580378 (VCV002580378.1), dbSNP rs1230493995, ClinGen allele CA346678839.

ClinVar aggregate classification (germline): Uncertain significance (1 of 4 stars; one submission).

Allele frequency attached by ClinVar (database versions not stated): gnomAD 0.00001; TOPMed 0.00003.
gnomAD v4.1: 5 of 1,582,248 alleles (0.00032%); highest among the groups gnomAD compares: African/African-American, 0.0067%; no homozygotes.

Submission:

GeneDx
Classification: Uncertain significance. Last evaluated: 2023-03-20. Review status: criteria provided, single submitter. Criteria: GeneDx Variant Classification Process June 2021. Collection method: clinical testing. Allele origin: germline. Affected: yes.
Comment: Not observed at significant frequency in large population cohorts (gnomAD); In silico analysis supports that this missense variant does not alter protein structure/function; Has not been previously published as pathogenic or benign to our knowledge